The following is an entry in ClinVar:

NM_000198.4(HSD3B2):c.51G>A (p.Arg17=)

Genes: HSD3B2 (hydroxy-delta-5-steroid dehydrogenase, 3 beta- and steroid delta-isomerase 2; plus strand), LOC109029530 (HSD3B2 5' regulatory region; plus strand). Cytogenetic location: 1p12.
Variant type: single nucleotide variant.
Coding change: c.51G>A on transcript NM_000198.4 (MANE Select); coding-DNA position 51, G replaced by A.
Protein change: p.Arg17=; no amino-acid change (arginine 17 retained).
Molecular consequence: synonymous variant.
Genome position (GRCh38, 1-based): chr1:119,415,470, G>A. VCF-style: chr1-119415470-G-A. GRCh37 (hg19) VCF-style: chr1-119958093-G-A.
Other names: c.51G>A, p.Arg17= (NM_001166120.2).
Identifiers: ClinVar variation 753018 (VCV000753018.15), dbSNP rs757957605, ClinGen allele CA1035868.

ClinVar aggregate classification (germline): Likely benign. Review status: criteria provided, multiple submitters, no conflicts (2 of 4 stars). 4 submissions from 4 submitters: Likely benign (2). 2 of the submissions do not count toward it. Last evaluated 2026-01-26.

Conditions:
HSD3B2-related disorder. Also called: HSD3B2-related condition.
3 beta-Hydroxysteroid dehydrogenase deficiency. Also called: 3-BETA-HSD DEFICIENCY; ADRENAL HYPERPLASIA II; Congenital adrenal hyperplasia due to 3-beta-hydroxysteroid dehydrogenase deficiency; 3b-hydroxysteroid dehydrogenase deficiency; ADRENAL HYPERPLASIA, CONGENITAL, DUE TO 3-BETA-HYDROXYSTEROID DEHYDROGENASE 2 DEFICIENCY. Identifiers: Orphanet 90791, MedGen C0342471, MeSH C538236, MONDO:0008727, OMIM 201810. Disease mechanism: loss of function.

Allele frequency attached by ClinVar (database versions not stated): gnomAD below 0.00001 and 0.00001; gnomAD exomes 0.00005 and 0.00009; ExAC 0.00010.
gnomAD v4.1: 67 of 1,613,856 alleles (0.0042%); highest among the groups gnomAD compares: South Asian, 0.072%; no homozygotes.

Submissions (4):

Labcorp Genetics (formerly Invitae), Labcorp
Classification: Likely benign. Last evaluated: 2026-01-26. Review status: criteria provided, single submitter. Criteria: Invitae Variant Classification Sherloc (09022015). Collection method: clinical testing. Allele origin: germline.

Fulgent Genetics
Classification: Likely benign for 3 beta-Hydroxysteroid dehydrogenase deficiency. Last evaluated: 2022-02-05. Review status: criteria provided, single submitter. Criteria: ACMG Guidelines, 2015. Collection method: clinical testing. Allele origin: unknown.

Natera, Inc.
Classification: Likely benign for 3 beta hydroxysteroid dehydrogenase deficiency. Last evaluated: 2021-02-26. Review status: no assertion criteria provided. Collection method: clinical testing. Allele origin: germline. Not counted in ClinVar's aggregate classification.

PreventionGenetics, part of Exact Sciences
Classification: Likely benign for HSD3B2-related condition. Last evaluated: 2019-04-25. Review status: no assertion criteria provided. Collection method: clinical testing. Allele origin: germline. Not counted in ClinVar's aggregate classification.
Comment: This variant is classified as likely benign based on ACMG/AMP sequence variant interpretation guidelines (Richards et al. 2015 PMID: 25741868, with internal and published modifications).